The following is an entry in ClinVar:

ClinVar aggregate classification (germline): Likely benign (1 of 4 stars; one submission).

Allele frequency attached by ClinVar (database versions not stated): TOPMed 0.00003.
gnomAD v4.1: 12 of 1,490,374 alleles (0.00081%); highest among the groups gnomAD compares: African/African-American, 0.0028%; no homozygotes.

Submission:

GeneDx
Classification: Likely benign. Last evaluated: 2017-08-03. Review status: criteria provided, single submitter. Criteria: GeneDx Variant Classification (06012015). Collection method: clinical testing. Allele origin: germline. Affected: yes.
Comment: This variant is considered likely benign or benign based on one or more of the following criteria: it is a conservative change, it occurs at a poorly conserved position in the protein, it is predicted to be benign by multiple in silico algorithms, and/or has population frequency not consistent with disease.

NM_004287.5(GOSR2):c.-22C>G

Genes: GOSR2 (golgi SNAP receptor complex member 2; plus strand), LRRC37A2 (leucine rich repeat containing 37 member A2). Cytogenetic location: 17q21.32.
Variant type: single nucleotide variant.
Coding change: c.-22C>G on transcript NM_004287.5 (MANE Select); 22 bases upstream of the start codon, C replaced by G.
Molecular consequence: 5 prime UTR variant. On other transcripts: non-coding transcript variant (3).
Genome position (GRCh38, 1-based): chr17:46,923,171, C>G. VCF-style: chr17-46923171-C-G. GRCh37 (hg19) VCF-style: chr17-45000537-C-G.
Other names: c.-22C>G (NM_001012511.3, NM_001321133.2, NM_001330252.2 and 4 more transcripts); c.-124C>G (NM_001321134.2); c.-487C>G (NM_001363851.2).
Identifiers: ClinVar variation 517687 (VCV000517687.1), dbSNP rs768526397, ClinGen allele CA658798881.